The following is an entry in ClinVar:

ClinVar aggregate classification (germline): Uncertain significance (1 of 4 stars; one submission).

Allele frequency attached by ClinVar (database versions not stated): gnomAD exomes below 0.00001; gnomAD 0.00001.
gnomAD v4.1: 3 of 1,606,590 alleles (0.00019%); highest among the groups gnomAD compares: Non-Finnish European, 0.00025%; no homozygotes.

Submission:

CeGaT Center for Human Genetics Tuebingen
Classification: Uncertain significance. Last evaluated: 2022-10-01. Review status: criteria provided, single submitter. Criteria: CeGaT Center For Human Genetics Tuebingen Variant Classification Criteria Version 2. Collection method: clinical testing. Allele origin: germline. Affected: yes. Observed: 1 variant allele.
Comment: ELN: PM2, BP4

NM_000501.4(ELN):c.1793C>T (p.Ala598Val)

Gene: ELN (elastin; plus strand). Cytogenetic location: 7q11.23.
Variant type: single nucleotide variant.
Coding change: c.1793C>T on transcript NM_000501.4 (MANE Select); coding-DNA position 1793, C replaced by T.
Protein change: p.Ala598Val; replaces alanine 598 with valine.
Molecular consequence: missense variant.
Genome position (GRCh38, 1-based): chr7:74,063,159, C>T. VCF-style: chr7-74063159-C-T. GRCh37 (hg19) VCF-style: chr7-73477489-C-T.
Other names: c.1706C>T, p.Ala569Val (NM_001081752.3); c.1751C>T, p.Ala584Val (NM_001081753.3); c.1808C>T, p.Ala603Val (NM_001081754.3); c.1736C>T, p.Ala579Val (NM_001081755.3); c.1793C>T, p.Ala598Val (NM_001278912.2); c.1550C>T, p.Ala517Val (NM_001278913.2); c.1721C>T, p.Ala574Val (NM_001278914.2); c.1811C>T, p.Ala604Val (NM_001278915.2); and 4 more; short protein forms A509V, A517V, A550V, A569V, A574V, A579V, A584V, A588V.
Identifiers: ClinVar variation 2657580 (VCV002657580.24), dbSNP rs1554685988, ClinGen allele CA367889286.